The following is an entry in ClinVar:

NM_019109.5(ALG1):c.1238C>A (p.Ser413Ter)

Gene: ALG1 (ALG1 chitobiosyldiphosphodolichol beta-mannosyltransferase; plus strand). Cytogenetic location: 16p13.3.
Variant type: single nucleotide variant.
Coding change: c.1238C>A on transcript NM_019109.5 (MANE Select); coding-DNA position 1238, C replaced by A.
Protein change: p.Ser413Ter; replaces serine 413 with a stop codon.
Molecular consequence: nonsense.
Genome position (GRCh38, 1-based): chr16:5,083,732, C>A. VCF-style: chr16-5083732-C-A. GRCh37 (hg19) VCF-style: chr16-5133733-C-A.
Other names: c.905C>A, p.Ser302Ter (NM_001330504.2); short protein forms S302*, S413*.
Identifiers: ClinVar variation 3655000 (VCV003655000.2).

ClinVar aggregate classification (germline): Pathogenic (1 of 4 stars; one submission).

Conditions:
ALG1-congenital disorder of glycosylation. Also called: CONGENITAL DISORDER OF GLYCOSYLATION, TYPE Ik; CDG Ik; ALG1-CDG. Identifiers: Orphanet 79327, MedGen C2931005, MONDO:0012052, OMIM 608540.

Submission:

Labcorp Genetics (formerly Invitae), Labcorp
Classification: Pathogenic for ALG1-congenital disorder of glycosylation. Last evaluated: 2024-05-29. Review status: criteria provided, single submitter. Criteria: Invitae Variant Classification Sherloc (09022015). Collection method: clinical testing. Allele origin: germline.
Comment: This sequence change creates a premature translational stop signal (p.Ser413*) in the ALG1 gene. While this is not anticipated to result in nonsense mediated decay, it is expected to disrupt the last 52 amino acid(s) of the ALG1 protein. This variant is not present in population databases (gnomAD no frequency). This variant has not been reported in the literature in individuals affected with ALG1-related conditions. This variant disrupts a region of the ALG1 protein in which other variant(s) (p.Arg438Trp) have been determined to be pathogenic (PMID: 20679665, 24157261, 26931382). This suggests that this is a clinically significant region of the protein, and that variants that disrupt it are likely to be disease-causing. For these reasons, this variant has been classified as Pathogenic.

Literature cited by the submitters: PubMed 20679665; PubMed 24157261; PubMed 26931382.